The following is an entry in ClinVar:

ClinVar aggregate classification (germline): Pathogenic/Likely pathogenic. Review status: criteria provided, multiple submitters, no conflicts (2 of 4 stars). 6 submissions from 6 submitters: Pathogenic (5); Likely pathogenic (1). Last evaluated 2025-12-31.

Conditions:
GALNS-related disorder. Also called: GALNS-related condition.
Morquio syndrome. Also called: Mucopolysaccharidosis type 4; Mucopolysaccharidosis, Type IV; MPS IV; Eccentrochondrodysplasia. Identifiers: Orphanet 582, MedGen C0026707, MONDO:0018938.
Mucopolysaccharidosis, MPS-IV-A (MPS4A). Also called: MORQUIO SYNDROME A; Mucopolysaccharidosis Type IVA; MORQUIO A DISEASE; Morquio syndrome A, mild; mucopolysaccharidosis type 4A; GALACTOSAMINE-6-SULFATASE DEFICIENCY. Identifiers: Orphanet 309297, Orphanet 582, MedGen C0086651, MONDO:0009659, OMIM 253000.

Allele frequency attached by ClinVar (database versions not stated): ExAC 0.00002; gnomAD exomes 0.00002 and 0.00004.
gnomAD v4.1: 58 of 1,612,436 alleles (0.0036%); highest among the groups gnomAD compares: Non-Finnish European, 0.0046%; no homozygotes.

Submissions (6):

Labcorp Genetics (formerly Invitae), Labcorp
Classification: Pathogenic for Mucopolysaccharidosis, MPS-IV-A. Last evaluated: 2025-12-31. Review status: criteria provided, single submitter. Criteria: Invitae Variant Classification Sherloc (09022015). Collection method: clinical testing. Allele origin: germline.
Comment: This sequence change replaces alanine, which is neutral and non-polar, with threonine, which is neutral and polar, at codon 107 of the GALNS protein (p.Ala107Thr). This variant also falls at the last nucleotide of exon 3, which is part of the consensus splice site for this exon. This variant is present in population databases (rs763184657, gnomAD 0.005%). This missense change has been observed in individual(s) with mucopolysaccharidosis type IVA (PMID: 15241807, 32216080). ClinVar contains an entry for this variant (Variation ID: 1048185). An algorithm developed to predict the effect of missense changes on protein structure and function (PolyPhen-2) suggests that this variant is likely to be disruptive. Variants that disrupt the consensus splice site are a relatively common cause of aberrant splicing (PMID: 17576681, 9536098). Algorithms developed to predict the effect of sequence changes on RNA splicing suggest that this variant may disrupt the consensus splice site. For these reasons, this variant has been classified as Pathogenic.

PreventionGenetics, part of Exact Sciences
Classification: Pathogenic for GALNS-related condition. Last evaluated: 2025-05-08. Review status: criteria provided, single submitter. Criteria: ACMG Guidelines, 2015. Collection method: clinical testing. Allele origin: germline.
Comment: The GALNS c.319G>A variant is predicted to result in the amino acid substitution p.Ala107Thr. This variant has been reported in the homozygous, presumed compound heterozygous, and suspected heterozygous states in individuals with mucopolysaccharidosis IVA (Tomatsu et al. 2004. PubMed ID: 15241807; Tomatsu et al. 2005. PubMed ID: 16287098; Wang et al. 2010. PubMed ID: 20574428; Moisan et al. 2020. PubMed ID: 32993725; Peretz et al. 2020. PubMed ID: 32216080). Of note, individuals homozygous for this variant were reported to have a severe phenotype (Tomatsu et al. 2004. PubMed ID: 15241807), whereas those compound heterozygous had a more classic/mild form of disease (Wang et al. 2010. PubMed ID: 20574428; Moisan et al. 2020. PubMed ID: 32993725; Peretz et al. 2020. PubMed ID: 32216080). Protein modeling analyses predict the p.Ala107Thr variant to have a significant and severe impact on protein structure and function (Rivera-Colón et al. 2012. PubMed ID: 22940367; Olarte-Avellaneda et al. 2014. PubMed ID: 25287660; Tamarozzi et al. 2014. PubMed ID: 25501214). This variant is reported in 0.0050% of alleles in individuals of East Asian descent in gnomAD. This variant is interpreted as pathogenic.

Dubai Health Genomic Medicine Center, Dubai Health
Classification: Pathogenic for Mucopolysaccharidosis IVA. Last evaluated: 2024-10-04. Review status: criteria provided, single submitter. Criteria: ACMG Guidelines, 2015. Collection method: research. Allele origin: germline. Affected: yes.
Comment: PS3,PM3,PM2,PP3,PP1

Fulgent Genetics
Classification: Pathogenic for Mucopolysaccharidosis, MPS-IV-A. Last evaluated: 2024-03-13. Review status: criteria provided, single submitter. Criteria: ACMG Guidelines, 2015. Collection method: clinical testing. Allele origin: germline.

Women's Health and Genetics/Laboratory Corporation of America, LabCorp
Classification: Pathogenic for Morquio syndrome. Last evaluated: 2023-08-23. Review status: criteria provided, single submitter. Criteria: LabCorp Variant Classification Summary - May 2015. Collection method: clinical testing. Allele origin: germline.
Comment: Variant summary: GALNS c.319G>A (p.Ala107Thr) results in a non-conservative amino acid change located in the Sulfatase, N-terminal domain (IPR000917) of the encoded protein sequence. Five of five in-silico tools predict a damaging effect of the variant on protein function. Several computational tools predict a significant impact on normal splicing: Two predict the variant abolishes the canonical 5' splicing donor site. Two predict the variant weakens the canonical 5' donor site. However, these predictions have yet to be confirmed by functional studies. The variant allele was found at a frequency of 1.6e-05 in 245626 control chromosomes (gnomAD). c.319G>A has been reported in the literature in multiple individuals affected with Mucopolysaccharidosis Type IVA (Morquio Syndrome A) (examples: Tomatsu_2004, Wang_2010, Al Jasmi_2012, Cozma_2015, Caciotti_2015). These data indicate that the variant is very likely to be associated with disease. The following publications have been ascertained in the context of this evaluation (PMID: 15241807, 26147980, 23430803, 20574428, 25545067). Two submitters have cited clinical-significance assessments for this variant to ClinVar after 2014. All submitters classified the variant as pathogenic/likely pathogenic. Based on the evidence outlined above, the variant was classified as pathogenic.

Laboratory of Diagnosis and Therapy of Lysosomal Disorders, University of Padova
Classification: Likely pathogenic for Mucopolysaccharidosis, MPS-IV-A. Last evaluated: 2021-02-01. Review status: criteria provided, single submitter. Criteria: ACMG Guidelines, 2015. Collection method: research. Allele origin: germline. Affected: yes.
Comment: In vivo functional studies supportive of a damaging effect on the gene product (low to null enzymatic activity in homozygotes; PS3_moderate); the prevalence of the variant in affected individuals is significantly increased compared with the prevalence in controls (PS4_strong); very low frequency in gnomAD v2.1.1 (PM2_moderate); multiple lines of computational evidence support a deleterious effect on the gene (PP3_supporting)

Literature cited by the submitters: PubMed 15241807 (cited by 3 submitters); PubMed 32216080 (cited by Labcorp Genetics (formerly Invitae), Labcorp and Laboratory of Diagnosis and Therapy of Lysosomal Disorders, University of Padova); PubMed 17576681 (cited by Labcorp Genetics (formerly Invitae), Labcorp); PubMed 9536098 (cited by Labcorp Genetics (formerly Invitae), Labcorp); PubMed 23430803 (cited by Women's Health and Genetics/Laboratory Corporation of America, LabCorp); PubMed 26147980 (cited by Women's Health and Genetics/Laboratory Corporation of America, LabCorp and Laboratory of Diagnosis and Therapy of Lysosomal Disorders, University of Padova); PubMed 20574428 (cited by Women's Health and Genetics/Laboratory Corporation of America, LabCorp and Laboratory of Diagnosis and Therapy of Lysosomal Disorders, University of Padova); PubMed 25545067 (cited by Women's Health and Genetics/Laboratory Corporation of America, LabCorp and Laboratory of Diagnosis and Therapy of Lysosomal Disorders, University of Padova); PubMed 16287098 (cited by Laboratory of Diagnosis and Therapy of Lysosomal Disorders, University of Padova); PubMed 24726177 (cited by Laboratory of Diagnosis and Therapy of Lysosomal Disorders, University of Padova); PubMed 32993725 (cited by Laboratory of Diagnosis and Therapy of Lysosomal Disorders, University of Padova); PubMed 34387910 (cited by Laboratory of Diagnosis and Therapy of Lysosomal Disorders, University of Padova).

NM_000512.5(GALNS):c.319G>A (p.Ala107Thr)

Gene: GALNS (galactosamine (N-acetyl)-6-sulfatase; minus strand). Cytogenetic location: 16q24.3.
Variant type: single nucleotide variant.
Coding change: c.319G>A on transcript NM_000512.5 (MANE Select); coding-DNA position 319, G replaced by A.
Protein change: p.Ala107Thr; replaces alanine 107 with threonine.
Molecular consequence: missense variant. On other transcripts: 5 prime UTR variant (1).
Genome position (GRCh38, 1-based): chr16:88,841,897, C>T on the plus strand (G>A on the coding strand, the complement: GALNS is on the minus strand). VCF-style: chr16-88841897-C-T. GRCh37 (hg19) VCF-style: chr16-88908305-C-T.
Other names: c.319G>A (NM_000512.4); c.-237G>A (NM_001323543.2); c.337G>A, p.Ala113Thr (NM_001323544.2); short protein forms A107T, A113T.
Identifiers: ClinVar variation 1048185 (VCV001048185.11), dbSNP rs763184657, ClinGen allele CA8235214.